The following is an entry in ClinVar:

ClinVar aggregate classification (germline): Uncertain significance (1 of 4 stars; one submission).

Allele frequency attached by ClinVar (database versions not stated): TOPMed below 0.00001; gnomAD 0.00001.
gnomAD v4.1: 1 of 1,570,214 alleles (0.000064%); highest among the groups gnomAD compares: Non-Finnish European, 0.000088%; no homozygotes.

Submission:

Ambry Genetics
Classification: Uncertain significance. Last evaluated: 2024-05-19. Review status: criteria provided, single submitter. Criteria: Ambry Variant Classification Scheme 2023. Collection method: clinical testing. Allele origin: germline.
Comment: The p.S354P variant (also known as c.1060T>C), located in coding exon 12 of the NPAT gene, results from a T to C substitution at nucleotide position 1060. The serine at codon 354 is replaced by proline, an amino acid with similar properties. This amino acid position is conserved. In addition, this alteration is predicted to be tolerated by in silico analysis. Since supporting evidence is limited at this time, the clinical significance of this alteration remains unclear.

NM_002519.3(NPAT):c.1060T>C (p.Ser354Pro)

Gene: NPAT (nuclear protein, coactivator of histone transcription; minus strand). Cytogenetic location: 11q22.3.
Variant type: single nucleotide variant.
Coding change: c.1060T>C on transcript NM_002519.3 (MANE Select); coding-DNA position 1060, T replaced by C.
Protein change: p.Ser354Pro; replaces serine 354 with proline.
Molecular consequence: missense variant.
Genome position (GRCh38, 1-based): chr11:108,176,318, A>G on the plus strand (T>C on the coding strand, the complement: NPAT is on the minus strand). VCF-style: chr11-108176318-A-G. GRCh37 (hg19) VCF-style: chr11-108047045-A-G.
Other names: c.1060T>C, p.Ser354Pro (NM_001321307.1); short protein forms S354P.
Identifiers: ClinVar variation 1780224 (VCV001780224.3), dbSNP rs1266376132, ClinGen allele CA382516896.